The following is an entry in ClinVar:

NM_138711.6(PPARG):c.905C>T (p.Pro302Leu)

Gene: PPARG (peroxisome proliferator activated receptor gamma; plus strand). Cytogenetic location: 3p25.2.
Variant type: single nucleotide variant.
Coding change: c.905C>T on transcript NM_138711.6 (MANE Select); coding-DNA position 905, C replaced by T.
Protein change: p.Pro302Leu; replaces proline 302 with leucine.
Molecular consequence: missense variant. On other transcripts: intron variant (5).
Genome position (GRCh38, 1-based): chr3:12,416,879, C>T. VCF-style: chr3-12416879-C-T. GRCh37 (hg19) VCF-style: chr3-12458378-C-T.
Other names: c.653+10880C>T (NM_001374266.1); c.819+10798C>T (NM_001374265.1); c.905C>T, p.Pro302Leu (NM_001354666.3, NM_001354667.3, NM_001374263.2 and 3 more transcripts); c.278C>T, p.Pro93Leu (NM_001354669.2); c.995C>T, p.Pro332Leu (NM_015869.5); c.729+10798C>T (NM_001374261.3, NM_001374262.3, NM_001330615.4); short protein forms P302L, P332L, P93L.
Identifiers: ClinVar variation 3638485 (VCV003638485.2).
Genomic context (GRCh38, chr3:12,416,879, plus strand): 5'-GCTGCCAGTTTCGCTCCGTGGAGGCTGTGCAGGAGATCACAGAGTATGCCAAAAGCATTC[C>T]TGGTTTTGTAAATCTTGACTTGAACGACCAAGTAACTCTCCTCAAATATGGAGTCCACGA-3'
Protein context (NP_619725.3, residues 292-312): QEITEYAKSI[Pro302Leu]GFVNLDLNDQ

ClinVar aggregate classification (germline): Uncertain significance (1 of 4 stars; one submission).

Submission:

Labcorp Genetics (formerly Invitae), Labcorp
Classification: Uncertain significance. Last evaluated: 2024-05-02. Review status: criteria provided, single submitter. Criteria: Invitae Variant Classification Sherloc (09022015). Collection method: clinical testing. Allele origin: germline.
Comment: This sequence change replaces proline, which is neutral and non-polar, with leucine, which is neutral and non-polar, at codon 332 of the PPARG protein (p.Pro332Leu). This variant is not present in population databases (gnomAD no frequency). This variant has not been reported in the literature in individuals affected with PPARG-related conditions. Advanced modeling of protein sequence and biophysical properties (such as structural, functional, and spatial information, amino acid conservation, physicochemical variation, residue mobility, and thermodynamic stability) performed at Invitae indicates that this missense variant is expected to disrupt PPARG protein function with a positive predictive value of 80%. In summary, the available evidence is currently insufficient to determine the role of this variant in disease. Therefore, it has been classified as a Variant of Uncertain Significance.